The following is an entry in ClinVar:

NM_000330.4(RS1):c.629T>A (p.Ile210Asn)

Genes: CDKL5 (cyclin dependent kinase like 5; plus strand), RS1 (retinoschisin 1; minus strand). Cytogenetic location: Xp22.13.
Variant type: single nucleotide variant.
Coding change: c.629T>A on transcript NM_000330.4 (MANE Select); coding-DNA position 629, T replaced by A.
Protein change: p.Ile210Asn; replaces isoleucine 210 with asparagine.
Molecular consequence: missense variant. On other transcripts: intron variant (2).
Genome position (GRCh38, 1-based): chrX:18,642,050, A>T on the plus strand (T>A on the coding strand, the complement: RS1 is on the minus strand). VCF-style: chrX-18642050-A-T. GRCh37 (hg19) VCF-style: chrX-18660170-A-T.
Other names: c.2714-3957A>T (NM_003159.3, NM_001037343.2); short protein forms I210N.
Identifiers: ClinVar variation 1036724 (VCV001036724.47), dbSNP rs757697856, ClinGen allele CA10360598.

ClinVar aggregate classification (germline): Likely pathogenic (1 of 4 stars; one submission).

gnomAD v4.1: 1 of 1,211,504 alleles (0.000083%); highest among the groups gnomAD compares: South Asian, 0.0018%; no homozygotes.

Submission:

Labcorp Genetics (formerly Invitae), Labcorp
Classification: Likely pathogenic. Last evaluated: 2021-04-16. Review status: criteria provided, single submitter. Criteria: Invitae Variant Classification Sherloc (09022015). Collection method: clinical testing. Allele origin: germline.
Comment: This sequence change replaces isoleucine with asparagine at codon 210 of the RS1 protein (p.Ile210Asn). The isoleucine residue is highly conserved and there is a large physicochemical difference between isoleucine and asparagine. This variant is present in population databases (rs757697856, ExAC 0.01%). In summary, the currently available evidence indicates that the variant is pathogenic, but additional data are needed to prove that conclusively. Therefore, this variant has been classified as Likely Pathogenic. Advanced modeling of protein sequence and biophysical properties (such as structural, functional, and spatial information, amino acid conservation, physicochemical variation, residue mobility, and thermodynamic stability) performed at Invitae indicates that this missense variant is expected to disrupt RS1 protein function. This variant has been observed in individual(s) with juvenile retinoschisis (Invitae).